The following is an entry in ClinVar:

NM_003737.4(DCHS1):c.3826_3827delinsAA (p.Ala1276Lys)

Gene: DCHS1 (dachsous cadherin-related 1; minus strand). Cytogenetic location: 11p15.4.
Variant type: Indel.
Coding change: c.3826_3827delinsAA on transcript NM_003737.4 (MANE Select); coding-DNA positions 3826 to 3827, GC replaced by AA.
Protein change: p.Ala1276Lys; replaces alanine 1276 with lysine.
Molecular consequence: missense variant.
Genome position (GRCh38, 1-based): chr11:6,631,156-6,631,157, GC replaced by TT on the plus strand (GC replaced by AA on the coding strand, the reverse complement: DCHS1 is on the minus strand). VCF-style: chr11-6631156-GC-TT. GRCh37 (hg19) VCF-style: chr11-6652387-GC-TT.
Other names: short protein forms A1276K.
Identifiers: ClinVar variation 452592 (VCV000452592.2), dbSNP rs1554904463, ClinGen allele CA658658029.

ClinVar aggregate classification (germline): Uncertain significance. Review status: criteria provided, multiple submitters, no conflicts (2 of 4 stars). 2 submissions from 2 submitters: Uncertain significance (2). Last evaluated 2025-12-11.

Submissions (2):

Labcorp Genetics (formerly Invitae), Labcorp
Classification: Uncertain significance. Last evaluated: 2025-12-11. Review status: criteria provided, single submitter. Criteria: Invitae Variant Classification Sherloc (09022015). Collection method: clinical testing. Allele origin: germline.
Comment: This sequence change replaces alanine, which is neutral and non-polar, with lysine, which is basic and polar, at codon 1276 of the DCHS1 protein (p.Ala1276Lys). Information on the frequency of this variant in the gnomAD database is not available, as this variant may be reported differently in the database. This variant has not been reported in the literature in individuals affected with DCHS1-related conditions. ClinVar contains an entry for this variant (Variation ID: 452592). An algorithm developed to predict the effect of missense changes on protein structure and function (PolyPhen-2) suggests that this variant is likely to be tolerated. In summary, the available evidence is currently insufficient to determine the role of this variant in disease. Therefore, it has been classified as a Variant of Uncertain Significance.

GeneDx
Classification: Uncertain significance. Last evaluated: 2017-09-29. Review status: criteria provided, single submitter. Criteria: GeneDx Variant Classification (06012015). Collection method: clinical testing. Allele origin: germline. Affected: yes.
Comment: The c.3826_3827delGCinsAA variant in the DCHS1 gene has not been reported previously as a pathogenic variant, nor as a benign variant, to our knowledge. The c.3826_3827delGCinsAA variant results in the replacement of the normal Alanine at position 1276 with a Lysine, denoted p.A1276K. The c.3826_3827delGCinsAA variant is not observed in large population cohorts (Lek et al., 2016). The c.3826_3827delGCinsAA variant is a non-conservative amino acid substitution, which occurs at a position that is conserved in mammals. In silico analysis is inconsistent in its predictions as to whether or not the variant is damaging to the protein structure/function. We interpret c.3826_3827delGCinsAA as a variant of uncertain significance.